The following is an entry in ClinVar:

NM_006939.4(SOS2):c.3634C>G (p.Leu1212Val)

Gene: SOS2 (SOS Ras/Rho guanine nucleotide exchange factor 2; minus strand). Cytogenetic location: 14q21.3.
Variant type: single nucleotide variant.
Coding change: c.3634C>G on transcript NM_006939.4 (MANE Select); coding-DNA position 3634, C replaced by G.
Protein change: p.Leu1212Val; replaces leucine 1212 with valine.
Molecular consequence: missense variant.
Genome position (GRCh38, 1-based): chr14:50,118,709, G>C on the plus strand (C>G on the coding strand, the complement: SOS2 is on the minus strand). VCF-style: chr14-50118709-G-C. GRCh37 (hg19) VCF-style: chr14-50585427-G-C.
Other names: c.3535C>G, p.Leu1179Val (NM_001411020.1); short protein forms L1179V, L1212V.
Identifiers: ClinVar variation 4801981 (VCV004801981.1).

ClinVar aggregate classification (germline): Uncertain significance (1 of 4 stars; one submission).

Conditions:
Noonan syndrome 9 (NS9). Identifiers: Orphanet 648, MedGen C4225282, MONDO:0014691, OMIM 616559.

gnomAD v4.1: 2 of 1,613,900 alleles (0.00012%); highest among the groups gnomAD compares: Non-Finnish European, 0.00017%; no homozygotes.

Submission:

Labcorp Genetics (formerly Invitae), Labcorp
Classification: Uncertain significance for Noonan syndrome 9. Last evaluated: 2025-08-26. Review status: criteria provided, single submitter. Criteria: Invitae Variant Classification Sherloc (09022015). Collection method: clinical testing. Allele origin: germline.
Comment: This sequence change replaces leucine, which is neutral and non-polar, with valine, which is neutral and non-polar, at codon 1212 of the SOS2 protein (p.Leu1212Val). This variant is not present in population databases (gnomAD no frequency). This variant has not been reported in the literature in individuals affected with SOS2-related conditions. Invitae Evidence Modeling of protein sequence and biophysical properties (such as structural, functional, and spatial information, amino acid conservation, physicochemical variation, residue mobility, and thermodynamic stability) indicates that this missense variant is not expected to disrupt SOS2 protein function with a negative predictive value of 95%. In summary, the available evidence is currently insufficient to determine the role of this variant in disease. Therefore, it has been classified as a Variant of Uncertain Significance.